The following is an entry in ClinVar:

NM_002691.4(POLD1):c.589+2T>C

Gene: POLD1 (DNA polymerase delta 1, catalytic subunit; plus strand). Cytogenetic location: 19q13.33.
Variant type: single nucleotide variant.
Coding change: c.589+2T>C on transcript NM_002691.4 (MANE Select); the canonical splice donor site of the intron after coding-DNA position 589, T replaced by C.
Molecular consequence: splice donor variant.
Genome position (GRCh38, 1-based): chr19:50,402,126, T>C. VCF-style: chr19-50402126-T-C. GRCh37 (hg19) VCF-style: chr19-50905383-T-C.
Other names: c.589+2T>C (NM_001256849.1, NM_001308632.1).
Identifiers: ClinVar variation 2840199 (VCV002840199.3), dbSNP rs1184160046, ClinGen allele CA406973523.

ClinVar aggregate classification (germline): Uncertain significance (1 of 4 stars; one submission).

Conditions:
POLD1-related polyposis and colorectal cancer syndrome (CRCS10). Also called: Colorectal cancer 10; COLORECTAL CANCER, SUSCEPTIBILITY TO, ON CHROMOSOME 19q; Colorectal cancer, susceptibility to, 10. Identifiers: Orphanet 220460, MedGen C2675481, MONDO:0012953, OMIM 612591.

Submission:

Labcorp Genetics (formerly Invitae), Labcorp
Classification: Uncertain significance for POLD1-related polyposis and colorectal cancer syndrome. Last evaluated: 2025-08-11. Review status: criteria provided, single submitter. Criteria: Invitae Variant Classification Sherloc (09022015). Collection method: clinical testing. Allele origin: germline.
Comment: This sequence change affects a donor splice site in intron 5 of the POLD1 gene. It is expected to disrupt RNA splicing. Variants that disrupt the donor or acceptor splice site typically lead to a loss of protein function (PMID: 16199547), however the current clinical and genetic evidence is not sufficient to establish whether loss-of-function variants in POLD1 cause disease. This variant is not present in population databases (gnomAD no frequency). This variant has not been reported in the literature in individuals affected with POLD1-related conditions. ClinVar contains an entry for this variant (Variation ID: 2840199). Algorithms developed to predict the effect of sequence changes on RNA splicing suggest that this variant may disrupt the consensus splice site. In summary, the available evidence is currently insufficient to determine the role of this variant in disease. Therefore, it has been classified as a Variant of Uncertain Significance.

Literature cited by the submitters: PubMed 16199547.